The following is an entry in ClinVar:

ClinVar aggregate classification (germline): Pathogenic (1 of 4 stars; one submission).

Submission:

GeneDx
Classification: Pathogenic. Last evaluated: 2025-02-05. Review status: criteria provided, single submitter. Criteria: GeneDx Variant Classification Process June 2021. Collection method: clinical testing. Allele origin: germline. Affected: yes.
Comment: Not observed at significant frequency in large population cohorts (gnomAD); In silico analysis supports that this missense variant has a deleterious effect on protein structure/function; This variant is associated with the following publications: (PMID: 35982159, 33057194, 31957018)

NM_001367721.1(CASK):c.437G>A (p.Cys146Tyr)

Gene: CASK (calcium/calmodulin dependent serine protein kinase; minus strand). Cytogenetic location: Xp11.4.
Variant type: single nucleotide variant.
Coding change: c.437G>A on transcript NM_001367721.1 (MANE Select); coding-DNA position 437, G replaced by A.
Protein change: p.Cys146Tyr; replaces cysteine 146 with tyrosine.
Molecular consequence: missense variant.
Genome position (GRCh38, 1-based): chrX:41,671,523, C>T on the plus strand (G>A on the coding strand, the complement: CASK is on the minus strand). VCF-style: chrX-41671523-C-T. GRCh37 (hg19) VCF-style: chrX-41530776-C-T.
Other names: c.437G>A, p.Cys146Tyr (NM_001126054.3, NM_001126055.3, NM_001410745.1 and 1 more transcripts); short protein forms C146Y.
Identifiers: ClinVar variation 1205490 (VCV001205490.4), dbSNP rs2067197487, ClinGen allele CA412999100.
Genomic context (GRCh38, chrX:41,671,523, plus strand): 5'-GCTACCCCAAAGCCTCCAAGTTTAACAGGTGCCGAGTTTTCTTTTGAGGCAAGGAGAACA[C>T]AGTGGGGCTGAAAAGAAAAACAGACGAACAAACAAACAAAAAACAAACCCGAAGATAAGG-3'
Protein context (NP_001354650.1, residues 136-156): NIIHRDVKPH[Cys146Tyr]VLLASKENSA